The following is an entry in ClinVar:

NM_001291415.2(KDM6A):c.1577T>G (p.Leu526Ter)

Gene: KDM6A (lysine demethylase 6A; plus strand). Cytogenetic location: Xp11.3.
Variant type: single nucleotide variant.
Coding change: c.1577T>G on transcript NM_001291415.2 (MANE Select); coding-DNA position 1577, T replaced by G.
Protein change: p.Leu526Ter; replaces leucine 526 with a stop codon.
Molecular consequence: nonsense. On other transcripts: non-coding transcript variant (1).
Genome position (GRCh38, 1-based): chrX:45,061,415, T>G. VCF-style: chrX-45061415-T-G. GRCh37 (hg19) VCF-style: chrX-44920660-T-G.
Other names: c.1442T>G, p.Leu481Ter (NM_001291416.2, NM_001419811.1); c.1286T>G, p.Leu429Ter (NM_001291417.2, NM_001291418.2, NM_001419815.1); c.533T>G, p.Leu178Ter (NM_001291421.2); c.1421T>G, p.Leu474Ter (NM_001410742.1, NM_001419812.1, NM_001419814.1 and 1 more transcripts); c.1577T>G, p.Leu526Ter (NM_001419809.1, NM_001419810.1, NM_001419813.1); short protein forms L481*, L178*, L429*, L474*, L526*.
Identifiers: ClinVar variation 2765766 (VCV002765766.3), dbSNP rs2522811516, ClinGen allele CA412785283.
Genomic context (GRCh38, chrX:45,061,415, plus strand): 5'-CTGTGTCACATCCTCCAGTACAGCAACAAGCTCATTCATGGTGTTTGACACCACAGAAAT[T>G]ACAGGTATGTAAGATGTTTTTGACAAATTGTTTATTAAAAAGGAGTAGAGGTAGCAAACA-3'

ClinVar aggregate classification (germline): Pathogenic (1 of 4 stars; one submission).

Conditions:
Kabuki syndrome 2 (KABUK2). Also called: KDM6A-Related Kabuki Syndrome. Identifiers: Orphanet 2322, MedGen C3275495, MONDO:0010465, OMIM 300867.

Submission:

Labcorp Genetics (formerly Invitae), Labcorp
Classification: Pathogenic for Kabuki syndrome 2. Last evaluated: 2023-10-14. Review status: criteria provided, single submitter. Criteria: Invitae Variant Classification Sherloc (09022015). Collection method: clinical testing. Allele origin: germline.
Comment: This sequence change creates a premature translational stop signal (p.Leu474*) in the KDM6A gene. It is expected to result in an absent or disrupted protein product. Loss-of-function variants in KDM6A are known to be pathogenic (PMID: 23076834, 23913813). This variant is not present in population databases (gnomAD no frequency). This variant has not been reported in the literature in individuals affected with KDM6A-related conditions. For these reasons, this variant has been classified as Pathogenic.

Literature cited by the submitters: PubMed 23076834; PubMed 23913813.